The following continues an entry in ClinVar:

NM_007294.4(BRCA1):c.1874_1877dup (p.Val627fs)

Gene: BRCA1. ClinVar aggregate classification (germline): Pathogenic. Pathogenic (1).

Submissions 10 to 18 of 18:

Laboratory for Molecular Medicine, Mass General Brigham Personalized Medicine
Classification: Pathogenic for Hereditary breast ovarian cancer syndrome. Last evaluated: 2019-10-14. Review status: criteria provided, single submitter. Criteria: ACMG Guidelines, 2015. Collection method: clinical testing. Allele origin: germline. Not counted in ClinVar's aggregate classification.
Comment: The p.Val627SerfsX4 variant in BRCA1 has been reported in at least 17 individuals with hereditary breast and/or ovarian cancer (HBOC; Kwong 2014, Balz 2002, Thomassen 2008, BIC database) and was absent from large population studies. This variant is predicted to cause a frameshift, which alters the protein’s amino acid sequence beginning at position 627 and leads to a premature termination codon 4 amino acids downstream. This alteration is then predicted to lead to a truncated or absent protein. Loss of function of the BRCA1 gene is an established disease mechanism in autosomal dominant HBOC. Additionally, this variant was classified as Pathogenic on Sep 8, 2016 by the ClinGen-approved ENIGMA expert panel (Variation ID: 54376). In summary, this variant meets criteria to be classified as pathogenic for autosomal dominant HBOC. ACMG/AMP Criteria applied: PVS1, PM2, PS4.

Women's Health and Genetics/Laboratory Corporation of America, LabCorp
Classification: Pathogenic for Hereditary breast and ovarian cancer syndrome. Last evaluated: 2019-05-31. Review status: criteria provided, single submitter. Criteria: LabCorp Variant Classification Summary - May 2015. Collection method: clinical testing. Allele origin: germline. Not counted in ClinVar's aggregate classification.
Comment: Variant summary: BRCA1 c.1874_1877dupTAGT (p.Val627SerfsX4) results in a premature termination codon, predicted to cause a truncation of the encoded protein or absence of the protein due to nonsense mediated decay, which are commonly known mechanisms for disease. Truncations downstream of this position have been classified as pathogenic by our laboratory. The variant was absent in 251314 control chromosomes. c.1874_1877dupTAGT has been reported in the literature in individuals affected with Hereditary Breast and Ovarian Cancer (Balz_2002, Thomassen_2008, Kwong_2012, Couch_2015, Rebbeck_2018). These data indicate that the variant is likely to be associated with disease. To our knowledge, no experimental evidence demonstrating an impact on protein function has been reported. Six ClinVar submissions from clinical diagnostic laboratories and one expert panel (ENIGMA)(evaluation after 2014) cites the variant as pathogenic. Based on the evidence outlined above, the variant was classified as pathogenic.

Consortium of Investigators of Modifiers of BRCA1/2 (CIMBA), c/o University of Cambridge
Classification: Pathogenic for Breast-ovarian cancer, familial, susceptibility to, 1. Last evaluated: 2015-10-02. Review status: criteria provided, single submitter. Criteria: CIMBA Mutation Classification guidelines May 2016. Collection method: clinical testing. Allele origin: germline. Not counted in ClinVar's aggregate classification.

Molecular Genetics Laboratory, University of Michigan
Classification: Pathogenic for Breast-ovarian cancer, familial, susceptibility to, 1. Last evaluated: 2014-11-03. Review status: criteria provided, single submitter. Criteria: ACMG Guidelines, 2015. Collection method: clinical testing. Allele origin: germline. Affected: yes. Not counted in ClinVar's aggregate classification.

BRCAlab, Lund University
Classification: Pathogenic for Breast-ovarian cancer, familial, susceptibility to, 1. Last evaluated: 2020-03-02. Review status: no assertion criteria provided. Collection method: clinical testing. Allele origin: germline. Affected: yes. Not counted in ClinVar's aggregate classification.

German Consortium for Hereditary Breast and Ovarian Cancer, University Hospital Cologne
Classification: Pathogenic for Ovarian neoplasm. Last evaluated: 2018-12-01. Review status: no assertion criteria provided. Collection method: research. Allele origin: germline. Affected: yes. Not counted in ClinVar's aggregate classification.

Institute of Human Genetics, Medical University Innsbruck
Classification: Pathogenic for Breast-ovarian cancer, familial 1. Last evaluated: 2015-02-11. Review status: no assertion criteria provided. Criteria: clinical testing. Collection method: clinical testing. Allele origin: germline. Affected: yes. Study: BRCA-Tyrol. Not counted in ClinVar's aggregate classification.
Comment: BRCA-mutation spectrum Western Austria

Research Molecular Genetics Laboratory, Women's College Hospital, University of Toronto
Classification: Pathogenic for Hereditary breast ovarian cancer syndrome. Last evaluated: 2014-01-31. Review status: no assertion criteria provided. Collection method: research. Allele origin: germline. Affected: yes. Study: The Canadian Open Genetics Repository (COGR). Not counted in ClinVar's aggregate classification.

Breast Cancer Information Core (BIC) (BRCA1)
Classification: Pathogenic for Breast-ovarian cancer, familial 1. Last evaluated: 2002-05-29. Review status: no assertion criteria provided. Collection method: clinical testing. Allele origin: germline. Affected: yes. Observed: 14 variant alleles. Not counted in ClinVar's aggregate classification.

Literature cited by the submitters: PubMed 12505256 (cited by 7 submitters); PubMed 20051372 (cited by Ambry Genetics); PubMed 29446198 (cited by 3 submitters); PubMed 20104584 (cited by Labcorp Genetics (formerly Invitae), Labcorp); PubMed 22970155 (cited by 6 submitters); PubMed 36367610 (cited by Quest Diagnostics Nichols Institute San Juan Capistrano); PubMed 33471991 (cited by 3 submitters); PubMed 29053726 (cited by Quest Diagnostics Nichols Institute San Juan Capistrano); PubMed 28888541 (cited by Quest Diagnostics Nichols Institute San Juan Capistrano); PubMed 25452441 (cited by 4 submitters); PubMed 18465347 (cited by 3 submitters); PubMed 26295337 (cited by Quest Diagnostics Nichols Institute San Juan Capistrano).